The following is an entry in ClinVar:

ClinVar aggregate classification (germline): Benign/Likely benign. Review status: criteria provided, multiple submitters, no conflicts (2 of 4 stars). 5 submissions from 4 submitters: Benign (3); Likely benign (2). Last evaluated 2026-01-27.

Conditions:
Hypophosphatemic rickets, autosomal recessive, 2 (ARHR2). Identifiers: Orphanet 289176, MedGen C2750078, MONDO:0013219, OMIM 613312.
Arterial calcification, generalized, of infancy, 1 (GACI1). Also called: Idiopathic Infantile Arterial Calcification. Identifiers: Orphanet 51608, MedGen C4551985, MONDO:0008817, OMIM 208000.

Allele frequency attached by ClinVar (database versions not stated): ESP Exome Variant Server 0.00077; gnomAD 0.00260 and 0.00265; 1000 Genomes Project 0.00439; 1000 Genomes Project 30x 0.00484; ExAC 0.00484; TOPMed 0.00524.
gnomAD v4.1: 2,338 of 1,604,550 alleles (0.15%); highest among the groups gnomAD compares: Admixed American, 3.6%; 48 homozygotes.

Submissions (5):

Labcorp Genetics (formerly Invitae), Labcorp
Classification: Benign. Last evaluated: 2026-01-27. Review status: criteria provided, single submitter. Criteria: Invitae Variant Classification Sherloc (09022015). Collection method: clinical testing. Allele origin: germline.

GeneDx
Classification: Likely benign. Last evaluated: 2020-03-25. Review status: criteria provided, single submitter. Criteria: GeneDx Variant Classification Process June 2021. Collection method: clinical testing. Allele origin: germline. Affected: yes.

Illumina Laboratory Services, Illumina
Classification: Benign for Arterial calcification, generalized, of infancy, 1. Last evaluated: 2018-01-12. Review status: criteria provided, single submitter. Criteria: ICSL Variant Classification Criteria 13 December 2019. Collection method: clinical testing. Allele origin: germline.
Comment: This variant was observed in the ICSL laboratory as part of a predisposition screen in an ostensibly healthy population. It had not been previously curated by ICSL or reported in the Human Gene Mutation Database (HGMD: prior to June 1st, 2018), and was therefore a candidate for classification through an automated scoring system. Utilizing variant allele frequency, disease prevalence and penetrance estimates, and inheritance mode, an automated score was calculated to assess if this variant is too frequent to cause the disease. Based on the score and internal cut-off values, a variant classified as benign is not then subjected to further curation. The score for this variant resulted in a classification of benign for this disease.

Illumina Laboratory Services, Illumina
Classification: Benign for Hypophosphatemic rickets, autosomal recessive, 2. Last evaluated: 2018-01-12. Review status: criteria provided, single submitter. Criteria: ICSL Variant Classification Criteria 13 December 2019. Collection method: clinical testing. Allele origin: germline.
Comment: the same text as in the submission from Illumina Laboratory Services, Illumina above.

Breakthrough Genomics
Classification: Likely benign. Review status: criteria provided, single submitter. Criteria: ACMG Guidelines, 2015. Collection method: not provided. Allele origin: germline. Inheritance: Autosomal recessive inheritance. Affected: yes.

NM_006208.3(ENPP1):c.2124C>A (p.Phe708Leu)

Gene: ENPP1 (ectonucleotide pyrophosphatase/phosphodiesterase 1; plus strand). Cytogenetic location: 6q23.2.
Variant type: single nucleotide variant.
Coding change: c.2124C>A on transcript NM_006208.3 (MANE Select); coding-DNA position 2124, C replaced by A.
Protein change: p.Phe708Leu; replaces phenylalanine 708 with leucine.
Molecular consequence: missense variant.
Genome position (GRCh38, 1-based): chr6:131,882,368, C>A. VCF-style: chr6-131882368-C-A. GRCh37 (hg19) VCF-style: chr6-132203508-C-A.
Other names: short protein forms F708L.
Identifiers: ClinVar variation 355350 (VCV000355350.18), dbSNP rs140521704, ClinGen allele CA4002438.
Genomic context (GRCh38, chr6:131,882,368, plus strand): 5'-CTGATATCTGAGAGTTCTTCTCATTTTCGTTCTTCAGGACAGTTTCTCTACGGAAGACTT[C>A]TCCAACTGTCTGTACCAGGACTTTAGAATTCCTCTTAGTCCTGTCCATAAATGTTCATTT-3'
Protein context (NP_006199.2, residues 698-718): DRNDSFSTED[Phe708Leu]SNCLYQDFRI